The following is an entry in ClinVar:

NM_001378969.1(KCND3):c.916G>A (p.Gly306Ser)

Gene: KCND3 (potassium voltage-gated channel subfamily D member 3; minus strand). Cytogenetic location: 1p13.2.
Variant type: single nucleotide variant.
Coding change: c.916G>A on transcript NM_001378969.1 (MANE Select); coding-DNA position 916, G replaced by A.
Protein change: p.Gly306Ser; replaces glycine 306 with serine.
Molecular consequence: missense variant.
Genome position (GRCh38, 1-based): chr1:111,981,811, C>T on the plus strand (G>A on the coding strand, the complement: KCND3 is on the minus strand). VCF-style: chr1-111981811-C-T. GRCh37 (hg19) VCF-style: chr1-112524433-C-T.
Other names: c.916G>A, p.Gly306Ser (NM_001378970.1, NM_004980.5, NM_172198.3); short protein forms G306S.
Identifiers: ClinVar variation 3730865 (VCV003730865.1).

ClinVar aggregate classification (germline): Pathogenic (1 of 4 stars; one submission).

Submission:

GeneDx
Classification: Pathogenic. Last evaluated: 2024-08-12. Review status: criteria provided, single submitter. Criteria: GeneDx Variant Classification Process June 2021. Collection method: clinical testing. Allele origin: germline. Affected: yes.
Comment: Not observed at significant frequency in large population cohorts (gnomAD); In silico analysis supports that this missense variant has a deleterious effect on protein structure/function; This variant is associated with the following publications: (PMID: 36518774, 35388935)